The following is an entry in ClinVar:

ClinVar aggregate classification (germline): Uncertain significance. Review status: criteria provided, multiple submitters, no conflicts (2 of 4 stars). 4 submissions from 4 submitters: Uncertain significance (3). 1 of the submissions does not count toward it. Last evaluated 2024-06-24.

Conditions:
Hereditary cancer-predisposing syndrome. Also called: Hereditary Cancer Syndrome; Hereditary neoplastic syndrome; Neoplastic Syndromes, Hereditary; Tumor predisposition. Identifiers: Orphanet 140162, MedGen C0027672, MeSH D009386, MONDO:0015356.
Fanconi anemia (FA). Also called: Fanconi's anemia. Identifiers: Orphanet 84, MedGen C0015625, MeSH D005199, MONDO:0019391.

Allele frequency attached by ClinVar (database versions not stated): gnomAD 0.00001; gnomAD exomes 0.00002; ExAC 0.00003.
gnomAD v4.1: 13 of 1,612,584 alleles (0.00081%); highest among the groups gnomAD compares: South Asian, 0.0066%; no homozygotes.

Submissions (4):

GeneDx
Classification: Uncertain significance. Last evaluated: 2024-06-24. Review status: criteria provided, single submitter. Criteria: GeneDx Variant Classification Process June 2021. Collection method: clinical testing. Allele origin: germline. Affected: yes.
Comment: In silico analysis supports that this missense variant has a deleterious effect on protein structure/function; Has not been previously published as pathogenic or benign to our knowledge; This variant is associated with the following publications: (PMID: Gordon2000[Book])

Labcorp Genetics (formerly Invitae), Labcorp
Classification: Uncertain significance for Fanconi anemia. Last evaluated: 2024-06-16. Review status: criteria provided, single submitter. Criteria: Invitae Variant Classification Sherloc (09022015). Collection method: clinical testing. Allele origin: germline.
Comment: This sequence change replaces cysteine, which is neutral and slightly polar, with tyrosine, which is neutral and polar, at codon 93 of the FANCC protein (p.Cys93Tyr). This variant is present in population databases (rs774029807, gnomAD 0.01%). This variant has not been reported in the literature in individuals affected with FANCC-related conditions. ClinVar contains an entry for this variant (Variation ID: 1062465). Advanced modeling of protein sequence and biophysical properties (such as structural, functional, and spatial information, amino acid conservation, physicochemical variation, residue mobility, and thermodynamic stability) performed at Invitae indicates that this missense variant is expected to disrupt FANCC protein function with a positive predictive value of 80%. In summary, the available evidence is currently insufficient to determine the role of this variant in disease. Therefore, it has been classified as a Variant of Uncertain Significance.

Ambry Genetics
Classification: Uncertain significance for Hereditary cancer-predisposing syndrome. Last evaluated: 2022-03-26. Review status: criteria provided, single submitter. Criteria: Ambry Variant Classification Scheme 2023. Collection method: clinical testing. Allele origin: germline.
Comment: The p.C93Y variant (also known as c.278G>A), located in coding exon 3 of the FANCC gene, results from a G to A substitution at nucleotide position 278. The cysteine at codon 93 is replaced by tyrosine, an amino acid with highly dissimilar properties. This amino acid position is highly conserved in available vertebrate species. In addition, this alteration is predicted to be deleterious by in silico analysis. Since supporting evidence is limited at this time, the clinical significance of this alteration remains unclear.

Natera, Inc.
Classification: Uncertain significance for Fanconi anemia. Last evaluated: 2018-05-27. Review status: no assertion criteria provided. Collection method: clinical testing. Allele origin: germline. Not counted in ClinVar's aggregate classification.

NM_000136.3(FANCC):c.278G>A (p.Cys93Tyr)

Gene: FANCC (FA complementation group C; minus strand). Cytogenetic location: 9q22.32.
Variant type: single nucleotide variant.
Coding change: c.278G>A on transcript NM_000136.3 (MANE Select); coding-DNA position 278, G replaced by A.
Protein change: p.Cys93Tyr; replaces cysteine 93 with tyrosine.
Molecular consequence: missense variant.
Genome position (GRCh38, 1-based): chr9:95,240,716, C>T on the plus strand (G>A on the coding strand, the complement: FANCC is on the minus strand). VCF-style: chr9-95240716-C-T. GRCh37 (hg19) VCF-style: chr9-98002998-C-T.
Other names: c.278G>A (NM_000136.2); c.278G>A, p.Cys93Tyr (NM_001243743.2, NM_001243744.2); short protein forms C93Y.
Identifiers: ClinVar variation 1062465 (VCV001062465.10), dbSNP rs774029807, ClinGen allele CA5137783.